The following is an entry in ClinVar:

ClinVar aggregate classification (germline): Benign/Likely benign. Review status: criteria provided, multiple submitters, no conflicts (2 of 4 stars). 2 submissions from 2 submitters: Benign (1); Likely benign (1). Last evaluated 2026-07-02.

Conditions:
Sessile serrated polyposis cancer syndrome (SSPCS). Identifiers: Orphanet 157798, MedGen C4310714, MONDO:0014919, OMIM 617108.

Submissions (2):

Myriad Genetics, Inc.
Classification: Benign for Sessile serrated polyposis cancer syndrome. Last evaluated: 2026-07-02. Review status: criteria provided, single submitter. Criteria: Myriad Autosomal Dominant, Autosomal Recessive and X-Linked Classification Criteria (2023). Collection method: clinical testing. Allele origin: unknown.
Comment: This variant is considered benign. This variant is a silent/synonymous amino acid change and it is not expected to impact splicing.

Ambry Genetics
Classification: Likely benign. Last evaluated: 2025-11-13. Review status: criteria provided, single submitter. Criteria: Ambry Variant Classification Scheme 2023. Collection method: clinical testing. Allele origin: germline.

NM_017763.6(RNF43):c.1848C>A (p.Pro616=)

Gene: RNF43 (ring finger protein 43; minus strand). Cytogenetic location: 17q22.
Variant type: single nucleotide variant.
Coding change: c.1848C>A on transcript NM_017763.6 (MANE Select); coding-DNA position 1848, C replaced by A.
Protein change: p.Pro616=; no amino-acid change (proline 616 retained).
Molecular consequence: synonymous variant.
Genome position (GRCh38, 1-based): chr17:58,357,928, G>T on the plus strand (C>A on the coding strand, the complement: RNF43 is on the minus strand). VCF-style: chr17-58357928-G-T. GRCh37 (hg19) VCF-style: chr17-56435289-G-T.
Other names: c.1848C>A, p.Pro616= (NM_001305544.3, NM_001438820.1, NM_001438821.1 and 1 more transcripts); c.1467C>A, p.Pro489= (NM_001305545.2, NM_001437987.1).
Identifiers: ClinVar variation 4578999 (VCV004578999.2).